The following is an entry in ClinVar:

NM_017763.6(RNF43):c.1915C>G (p.Leu639Val)

Gene: RNF43 (ring finger protein 43; minus strand). Cytogenetic location: 17q22.
Variant type: single nucleotide variant.
Coding change: c.1915C>G on transcript NM_017763.6 (MANE Select); coding-DNA position 1915, C replaced by G.
Protein change: p.Leu639Val; replaces leucine 639 with valine.
Molecular consequence: missense variant.
Genome position (GRCh38, 1-based): chr17:58,357,861, G>C on the plus strand (C>G on the coding strand, the complement: RNF43 is on the minus strand). VCF-style: chr17-58357861-G-C. GRCh37 (hg19) VCF-style: chr17-56435222-G-C.
Other names: c.1915C>G, p.Leu639Val (NM_001305544.3, NM_001438820.1, NM_001438821.1 and 1 more transcripts); c.1534C>G, p.Leu512Val (NM_001305545.2, NM_001437987.1); short protein forms L512V, L639V.
Identifiers: ClinVar variation 5028359 (VCV005028359.1).

ClinVar aggregate classification (germline): Uncertain significance (1 of 4 stars; one submission).

Submission:

Ambry Genetics
Classification: Uncertain significance. Last evaluated: 2026-08-29. Review status: criteria provided, single submitter. Criteria: Ambry Variant Classification Scheme 2023. Collection method: clinical testing. Allele origin: germline.
Comment: The p.L639V variant (also known as c.1915C>G), located in coding exon 8 of the RNF43 gene, results from a C to G substitution at nucleotide position 1915. The leucine at codon 639 is replaced by valine, an amino acid with highly similar properties. This amino acid position is conserved. In addition, this alteration is predicted to be tolerated by in silico analysis. Based on the available evidence, the clinical significance of this variant remains unclear.